The following is an entry in ClinVar:

NM_006164.5(NFE2L2):c.892A>G (p.Ser298Gly)

Gene: NFE2L2 (NFE2 like bZIP transcription factor 2; minus strand). Cytogenetic location: 2q31.2.
Variant type: single nucleotide variant.
Coding change: c.892A>G on transcript NM_006164.5 (MANE Select); coding-DNA position 892, A replaced by G.
Protein change: p.Ser298Gly; replaces serine 298 with glycine.
Molecular consequence: missense variant.
Genome position (GRCh38, 1-based): chr2:177,231,711, T>C on the plus strand (A>G on the coding strand, the complement: NFE2L2 is on the minus strand). VCF-style: chr2-177231711-T-C. GRCh37 (hg19) VCF-style: chr2-178096439-T-C.
Other names: c.844A>G, p.Ser282Gly (NM_001145412.3, NM_001313900.1, NM_001313901.1); c.823A>G, p.Ser275Gly (NM_001145413.3); c.892A>G (NM_006164.3); c.802A>G, p.Ser268Gly (NM_001313902.2); c.673A>G, p.Ser225Gly (NM_001313903.2); c.592A>G, p.Ser198Gly (NM_001313904.1); short protein forms S268G, S282G, S198G, S225G, S298G, S275G.
Identifiers: ClinVar variation 2987189 (VCV002987189.4), dbSNP rs774940995, ClinGen allele CA1979779.

ClinVar aggregate classification (germline): Uncertain significance. Review status: criteria provided, multiple submitters, no conflicts (2 of 4 stars). 2 submissions from 2 submitters: Uncertain significance (2). Last evaluated 2025-11-11.

Allele frequency attached by ClinVar (database versions not stated): TOPMed below 0.00001; ExAC 0.00001; gnomAD exomes 0.00001.
gnomAD v4.1: 9 of 1,614,220 alleles (0.00056%); highest among the groups gnomAD compares: Admixed American, 0.0017%; no homozygotes.

Submissions (2):

Labcorp Genetics (formerly Invitae), Labcorp
Classification: Uncertain significance. Last evaluated: 2025-11-11. Review status: criteria provided, single submitter. Criteria: Invitae Variant Classification Sherloc (09022015). Collection method: clinical testing. Allele origin: germline.
Comment: This sequence change replaces serine, which is neutral and polar, with glycine, which is neutral and non-polar, at codon 298 of the NFE2L2 protein (p.Ser298Gly). This variant is present in population databases (rs774940995, gnomAD 0.004%). This variant has not been reported in the literature in individuals affected with NFE2L2-related conditions. ClinVar contains an entry for this variant (Variation ID: 2987189). Invitae Evidence Modeling of protein sequence and biophysical properties (such as structural, functional, and spatial information, amino acid conservation, physicochemical variation, residue mobility, and thermodynamic stability) indicates that this missense variant is not expected to disrupt NFE2L2 protein function with a negative predictive value of 80%. In summary, the available evidence is currently insufficient to determine the role of this variant in disease. Therefore, it has been classified as a Variant of Uncertain Significance.

Ambry Genetics
Classification: Uncertain significance. Last evaluated: 2023-12-27. Review status: criteria provided, single submitter. Criteria: Ambry Variant Classification Scheme 2023. Collection method: clinical testing. Allele origin: germline.